The following is an entry in ClinVar:

ClinVar aggregate classification (germline): Likely benign. Review status: criteria provided, multiple submitters, no conflicts (2 of 4 stars). 2 submissions from 2 submitters: Likely benign (2). Last evaluated 2025-07-25.

Conditions:
LAMA2-related disorder. Also called: LAMA2-related disorders; LAMA2-related condition.
LAMA2-related muscular dystrophy (LAMA2-RD). Also called: Laminin alpha 2-related dystrophy. Identifiers: MedGen C5679788, MONDO:0100228.

Allele frequency attached by ClinVar (database versions not stated): TOPMed 0.00004.
gnomAD v4.1: 12 of 1,614,056 alleles (0.00074%); highest among the groups gnomAD compares: Admixed American, 0.013%; no homozygotes.

Submissions (2):

PreventionGenetics, part of Exact Sciences
Classification: Likely benign for LAMA2-related condition. Last evaluated: 2025-07-25. Review status: criteria provided, single submitter. Criteria: ACMG Guidelines, 2015. Collection method: clinical testing. Allele origin: germline.
Comment: This variant is classified as likely benign based on ACMG/AMP sequence variant interpretation guidelines (Richards et al. 2015 PMID: 25741868, with internal and published modifications).

Labcorp Genetics (formerly Invitae), Labcorp
Classification: Likely benign for LAMA2-related muscular dystrophy. Last evaluated: 2025-03-16. Review status: criteria provided, single submitter. Criteria: Invitae Variant Classification Sherloc (09022015). Collection method: clinical testing. Allele origin: germline.

NM_000426.4(LAMA2):c.1722C>G (p.Ala574=)

Gene: LAMA2 (laminin subunit alpha 2; plus strand). Cytogenetic location: 6q22.33.
Variant type: single nucleotide variant.
Coding change: c.1722C>G on transcript NM_000426.4 (MANE Select); coding-DNA position 1722, C replaced by G.
Protein change: p.Ala574=; no amino-acid change (alanine 574 retained).
Molecular consequence: synonymous variant.
Genome position (GRCh38, 1-based): chr6:129,192,793, C>G. VCF-style: chr6-129192793-C-G. GRCh37 (hg19) VCF-style: chr6-129513938-C-G.
Other names: c.1722C>G, p.Ala574= (NM_001079823.2).
Identifiers: ClinVar variation 543878 (VCV000543878.12), dbSNP rs777308198, ClinGen allele CA146880659.